The following is an entry in ClinVar:

ClinVar aggregate classification (germline): Uncertain significance. Review status: criteria provided, multiple submitters, no conflicts (2 of 4 stars). 4 submissions from 4 submitters: Uncertain significance (4). Last evaluated 2022-10-06.

Conditions:
SH2B3-related disorder. Also called: SH2B3-related condition.

Allele frequency attached by ClinVar (database versions not stated): ExAC 0.00017; 1000 Genomes Project 0.00020; 1000 Genomes Project 30x 0.00031; gnomAD exomes 0.00069.
gnomAD v4.1: 912 of 1,465,804 alleles (0.062%); highest among the groups gnomAD compares: Admixed American, 0.14%; no homozygotes.

Submissions (4):

PreventionGenetics, part of Exact Sciences
Classification: Uncertain significance for SH2B3-related condition. Last evaluated: 2022-10-06. Review status: criteria provided, single submitter. Criteria: ACMG Guidelines, 2015. Collection method: clinical testing. Allele origin: germline.
Comment: The SH2B3 c.639C>A variant is predicted to result in the amino acid substitution p.Ser213Arg. This variant, also known as LNK p.Ser213Arg in the literature, has been reported in the germline context in an individual with chronic thrombocytosis (Luque Paz et al. 2018. PubMed ID: 29703677). This variant has also been reported in individuals with essential thrombocytemia (ET) and erythrocytosis, but it was unclear whether this variant was of somatic or germline origin (Lemoine et al. 2022. Supplemental Table S2. PubMed ID: 35833299; Spolverini et al. 2013. PubMed ID: 23812944). In one individual, a CALR type 2-like variant was reported in addition to the SH2B3 p.Ser213Arg variant, while a second individual was reportedly negative for the JAK2 hotspot and CALR exon-12 variants (Luque Paz et al. 2018. PubMed ID: 29703677; Spolverini et al. 2013. PubMed ID: 23812944). This variant is reported in 0.15% of alleles in individuals of Latino descent in gnomAD. At this time, the clinical significance of this variant is uncertain due to the absence of conclusive functional and genetic evidence.

GeneDx
Classification: Uncertain significance. Last evaluated: 2022-05-06. Review status: criteria provided, single submitter. Criteria: GeneDx Variant Classification Process June 2021. Collection method: clinical testing. Allele origin: germline. Affected: yes.
Comment: Variants in candidate genes are classified as variants of uncertain significance in accordance with ACMG guidelines (Richards et al., 2015); In silico analysis supports that this missense variant does not alter protein structure/function; Observed in individuals with acute myeloid leukemia, thrombocytopenia, and erythrocytosis (Spolverini et al., 2013; Luque Paz et al., 2018; Aguirre-Ruiz et al., 2020); This variant is associated with the following publications: (PMID: 23812944, 29703677, 33255857, 33692849)

Genetic Services Laboratory, University of Chicago
Classification: Uncertain significance. Last evaluated: 2021-04-05. Review status: criteria provided, single submitter. Criteria: ACMG Guidelines, 2015. Collection method: clinical testing. Allele origin: germline. Affected: no.
Comment: DNA sequence analysis of the SH2B3 gene demonstrated a sequence change, c.639C>A, in exon 2 that results in an amino acid change, p.Ser213Arg. This sequence change has been described in gnomAD with a frequency of 0.15% in the Latino sub-population (dbSNP rs111360561). The p.Ser213Arg change affects a moderately conserved amino acid residue located in a domain of the SH2B3 protein that is known to be functional. In-silico pathogenicity prediction tools (SIFT, PolyPhen2, Align GVGD, REVEL) provide contradictory results for the p.Ser213Arg substitution. This sequence change was previously reported in a patient with thrombocytosis. This sequence change was confirmed as a germline variant. The patient was also found to have a truncating variant in the CALR gene (PMID: 29703677). Due to lack of sufficient evidences, the clinical significance of the p.Ser213Arg change remains unknown at this time.

Breakthrough Genomics
Classification: Uncertain significance. Review status: criteria provided, single submitter. Criteria: ACMG Guidelines, 2015. Collection method: not provided. Allele origin: germline. Inheritance: Autosomal recessive inheritance. Affected: yes.

NM_005475.3(SH2B3):c.639C>A (p.Ser213Arg)

Gene: SH2B3 (SH2B adaptor protein 3; plus strand). Cytogenetic location: 12q24.12.
Variant type: single nucleotide variant.
Coding change: c.639C>A on transcript NM_005475.3 (MANE Select); coding-DNA position 639, C replaced by A.
Protein change: p.Ser213Arg; replaces serine 213 with arginine.
Molecular consequence: missense variant.
Genome position (GRCh38, 1-based): chr12:111,418,784, C>A. VCF-style: chr12-111418784-C-A. GRCh37 (hg19) VCF-style: chr12-111856588-C-A.
Other names: short protein forms S213R.
Identifiers: ClinVar variation 1337877 (VCV001337877.7), dbSNP rs111360561, ClinGen allele CA6789691.
Genomic context (GRCh38, chr12:111,418,784, plus strand): 5'-CGAGGCGCTGAAGGAGGCGGTGCTGCGCTACAGCCTGGCCGACGAGGCCTCCATGGACAG[C>A]GGGGCACGCTGGCAGCGCGGGAGGCTGGCGCTGCGCCGGGCCCCGGGCCCCGATGGCCCC-3'
Protein context (NP_005466.1, residues 203-223): YSLADEASMD[Ser213Arg]GARWQRGRLA